The following is an entry in ClinVar:

ClinVar aggregate classification (germline): Uncertain significance. Review status: criteria provided, single submitter (1 of 4 stars). 2 submissions from 2 submitters: Uncertain significance (1). 1 of the submissions does not count toward it. Last evaluated 2024-10-15.

Conditions:
Muscle eye brain disease (MEB). Also called: Santavuori congenital muscular dystrophy. Identifiers: Orphanet 588, Orphanet 899, MedGen C0457133, MONDO:0018939.
Muscular dystrophy-dystroglycanopathy (congenital with impaired intellectual development), type B, 3. Also called: Muscular dystrophy-dystroglycanopathy (congenital with intellectual disability), type B3; MUSCULAR DYSTROPHY, CONGENITAL, POMGNT1-RELATED. Identifiers: MedGen C3150412, MONDO:0013155, OMIM 613151.
Autosomal recessive limb-girdle muscular dystrophy type 2O. Also called: Limb-Girdle Muscular Dystrophy Type 3C; MUSCULAR DYSTROPHY-DYSTROGLYCANOPATHY (LIMB-GIRDLE), TYPE C, 3; MUSCULAR DYSTROPHY-DYSTROGLYCANOPATHY, LIMB-GIRDLE, POMGNT1-RELATED. Identifiers: Orphanet 206564, MedGen C3150417, MONDO:0013161, OMIM 613157.

Allele frequency attached by ClinVar (database versions not stated): ExAC 0.00002; gnomAD 0.00001; TOPMed 0.00001; gnomAD exomes 0.00002.
gnomAD v4.1: 26 of 1,614,014 alleles (0.0016%); highest among the groups gnomAD compares: South Asian, 0.0077%; no homozygotes.

Submissions (2):

Labcorp Genetics (formerly Invitae), Labcorp
Classification: Uncertain significance for Autosomal recessive limb-girdle muscular dystrophy type 2O; Muscular dystrophy-dystroglycanopathy (congenital with impaired intellectual development), type B, 3. Last evaluated: 2024-10-15. Review status: criteria provided, single submitter. Criteria: Invitae Variant Classification Sherloc (09022015). Collection method: clinical testing. Allele origin: germline.
Comment: This sequence change affects codon 384 of the POMGNT1 mRNA. It is a 'silent' change, meaning that it does not change the encoded amino acid sequence of the POMGNT1 protein. This variant also falls at the last nucleotide of exon 13, which is part of the consensus splice site for this exon. This variant is present in population databases (rs760312462, gnomAD 0.01%). This variant has not been reported in the literature in individuals affected with POMGNT1-related conditions. ClinVar contains an entry for this variant (Variation ID: 538740). Variants that disrupt the consensus splice site are a relatively common cause of aberrant splicing (PMID: 17576681, 9536098). Algorithms developed to predict the effect of sequence changes on RNA splicing suggest that this variant may disrupt the consensus splice site. In summary, the available evidence is currently insufficient to determine the role of this variant in disease. Therefore, it has been classified as a Variant of Uncertain Significance.

Natera, Inc.
Classification: Uncertain significance for Muscle-eye-brain disease. Last evaluated: 2019-10-28. Review status: no assertion criteria provided. Collection method: clinical testing. Allele origin: germline. Not counted in ClinVar's aggregate classification.

Literature cited by the submitters: PubMed 17576681 (cited by Labcorp Genetics (formerly Invitae), Labcorp); PubMed 9536098 (cited by Labcorp Genetics (formerly Invitae), Labcorp).

NM_017739.4(POMGNT1):c.1152G>A (p.Pro384=)

Genes: POMGNT1 (protein O-linked mannose N-acetylglucosaminyltransferase 1 (beta 1,2-); minus strand), TSPAN1 (tetraspanin 1; plus strand). Cytogenetic location: 1p34.1.
Variant type: single nucleotide variant.
Coding change: c.1152G>A on transcript NM_017739.4 (MANE Select); coding-DNA position 1152, G replaced by A.
Protein change: p.Pro384=; no amino-acid change (proline 384 retained).
Molecular consequence: synonymous variant.
Genome position (GRCh38, 1-based): chr1:46,193,174, C>T on the plus strand (G>A on the coding strand, the complement: POMGNT1 is on the minus strand). VCF-style: chr1-46193174-C-T. GRCh37 (hg19) VCF-style: chr1-46658846-C-T.
Other names: c.1086G>A, p.Pro362= (NM_001290129.3); c.723G>A, p.Pro241= (NM_001290130.2); c.1152G>A, p.Pro384= (NM_001410783.1, NM_001243766.2).
Identifiers: ClinVar variation 538740 (VCV000538740.7), dbSNP rs760312462, ClinGen allele CA833477.